The following is an entry in ClinVar:

ClinVar aggregate classification (germline): Likely benign (1 of 4 stars; one submission).

Allele frequency attached by ClinVar (database versions not stated): gnomAD exomes below 0.00001.
gnomAD v4.1: 2 of 1,592,280 alleles (0.00013%); highest among the groups gnomAD compares: Non-Finnish European, 0.00017%; no homozygotes.

Submission:

Laboratory for Molecular Medicine, Mass General Brigham Personalized Medicine
Classification: Likely benign. Last evaluated: 2016-03-29. Review status: criteria provided, single submitter. Criteria: LMM Criteria. Collection method: clinical testing. Allele origin: germline.
Comment: Variant identified in a genome or exome case(s) and assessed due to predicted null impact of the variant or pathogenic assertions in the literature or databases. Disclaimer: This variant has not undergone full assessment. The following are preliminary notes: Silent variant not in splice consensus

NM_001098671.2(RASGRP2):c.81C>T (p.Ser27=)

Gene: RASGRP2 (RAS guanyl releasing protein 2; minus strand). Cytogenetic location: 11q13.1.
Variant type: single nucleotide variant.
Coding change: c.81C>T on transcript NM_001098671.2 (MANE Select); coding-DNA position 81, C replaced by T.
Protein change: p.Ser27=; no amino-acid change (serine 27 retained).
Molecular consequence: synonymous variant. On other transcripts: intron variant (1).
Genome position (GRCh38, 1-based): chr11:64,742,105, G>A on the plus strand (C>T on the coding strand, the complement: RASGRP2 is on the minus strand). VCF-style: chr11-64742105-G-A. GRCh37 (hg19) VCF-style: chr11-64509577-G-A.
Other names: c.81C>T, p.Ser27= (NM_001098670.2, NM_153819.2); c.-282-73C>T (NM_001318398.2).
Identifiers: ClinVar variation 403365 (VCV000403365.4), dbSNP rs1060499893, ClinGen allele CA16609748.